The following is an entry in ClinVar:

ClinVar aggregate classification (germline): Uncertain significance (1 of 4 stars; one submission).

Submission:

Labcorp Genetics (formerly Invitae), Labcorp
Classification: Uncertain significance. Last evaluated: 2022-07-12. Review status: criteria provided, single submitter. Criteria: Invitae Variant Classification Sherloc (09022015). Collection method: clinical testing. Allele origin: germline.
Comment: This sequence change replaces arginine, which is basic and polar, with glycine, which is neutral and non-polar, at codon 77 of the POLE protein (p.Arg77Gly). This variant is not present in population databases (gnomAD no frequency). This variant has not been reported in the literature in individuals affected with POLE-related conditions. Algorithms developed to predict the effect of missense changes on protein structure and function are either unavailable or do not agree on the potential impact of this missense change (SIFT: "Tolerated"; PolyPhen-2: "Possibly Damaging"; Align-GVGD: "Class C0"). In summary, the available evidence is currently insufficient to determine the role of this variant in disease. Therefore, it has been classified as a Variant of Uncertain Significance.

NM_006231.4(POLE):c.229C>G (p.Arg77Gly)

Gene: POLE (DNA polymerase epsilon, catalytic subunit; minus strand). Cytogenetic location: 12q24.33.
Variant type: single nucleotide variant.
Coding change: c.229C>G on transcript NM_006231.4 (MANE Select); coding-DNA position 229, C replaced by G.
Protein change: p.Arg77Gly; replaces arginine 77 with glycine.
Molecular consequence: missense variant.
Genome position (GRCh38, 1-based): chr12:132,680,663, G>C on the plus strand (C>G on the coding strand, the complement: POLE is on the minus strand). VCF-style: chr12-132680663-G-C. GRCh37 (hg19) VCF-style: chr12-133257249-G-C.
Other names: short protein forms R77G.
Identifiers: ClinVar variation 2016380 (VCV002016380.4), dbSNP rs1060500889, ClinGen allele CA387369270.
Genomic context (GRCh38, chr12:132,680,663, plus strand): 5'-TTACCTTAAATCTGCTTCCGTCATCTTGAATAAAGTAGTAATCCACTGCACTGCCTAAGC[G>C]CTTATCTTCATCTAAAATCTCGGTCTACAAGAGAATCAGTCAACACAGACACAAGACCAT-3'
Protein context (NP_006222.2, residues 67-87): HPTEILDEDK[Arg77Gly]LGSAVDYYFI